The following is an entry in ClinVar:

NM_001366385.1(CARD14):c.238C>T (p.Arg80Ter)

Gene: CARD14 (caspase recruitment domain family member 14; plus strand). Cytogenetic location: 17q25.3.
Variant type: single nucleotide variant.
Coding change: c.238C>T on transcript NM_001366385.1 (MANE Select); coding-DNA position 238, C replaced by T.
Protein change: p.Arg80Ter; replaces arginine 80 with a stop codon.
Molecular consequence: nonsense. On other transcripts: non-coding transcript variant (1).
Genome position (GRCh38, 1-based): chr17:80,182,679, C>T. VCF-style: chr17-80182679-C-T. GRCh37 (hg19) VCF-style: chr17-78156478-C-T.
Other names: c.238C>T, p.Arg80Ter (NM_001257970.1, NM_024110.4); short protein forms R80*.
Identifiers: ClinVar variation 2044651 (VCV002044651.4), dbSNP rs377316099, ClinGen allele CA8816371.

ClinVar aggregate classification (germline): Uncertain significance (1 of 4 stars; one submission).

Conditions:
Pityriasis rubra pilaris (PRP). Also called: Pityriasis rubra pilaris--familial type. Identifiers: Orphanet 2897, MedGen C0032027, MONDO:0100017, OMIM 173200, MONDO:0008251.
Psoriasis 2. Identifiers: MedGen C1864497, MONDO:0011269, OMIM 602723.

Allele frequency attached by ClinVar (database versions not stated): ExAC 0.00001; ESP Exome Variant Server 0.00008.
gnomAD v4.1: 46 of 1,613,986 alleles (0.0029%); highest among the groups gnomAD compares: Non-Finnish European, 0.0035%; no homozygotes.

Submission:

Labcorp Genetics (formerly Invitae), Labcorp
Classification: Uncertain significance for Pityriasis rubra pilaris; Psoriasis 2. Last evaluated: 2025-07-30. Review status: criteria provided, single submitter. Criteria: Invitae Variant Classification Sherloc (09022015). Collection method: clinical testing. Allele origin: germline.
Comment: This sequence change creates a premature translational stop signal (p.Arg80*) in the CARD14 gene. It is expected to result in an absent or disrupted protein product. However, the current clinical and genetic evidence is not sufficient to establish whether loss-of-function variants in CARD14 cause disease. This variant is present in population databases (rs377316099, gnomAD 0.004%). This variant has not been reported in the literature in individuals affected with CARD14-related conditions. ClinVar contains an entry for this variant (Variation ID: 2044651). In summary, the available evidence is currently insufficient to determine the role of this variant in disease. Therefore, it has been classified as a Variant of Uncertain Significance.